The following is an entry in ClinVar:

ClinVar aggregate classification (germline): Uncertain significance (1 of 4 stars; one submission).

Conditions:
Cardiovascular phenotype. Identifiers: MedGen CN230736.

Submission:

Ambry Genetics
Classification: Uncertain significance for Cardiovascular phenotype. Last evaluated: 2022-10-12. Review status: criteria provided, single submitter. Criteria: Ambry Variant Classification Scheme 2023. Collection method: clinical testing. Allele origin: germline.
Comment: The c.5025+2T>C intronic variant results from a T to C substitution two nucleotides after coding exon 35 in the DMD gene. This nucleotide position is highly conserved in available vertebrate species. In silico splice site analysis predicts that this alteration will weaken the native splice donor site. This variant is considered to be rare based on population cohorts in the Genome Aggregation Database (gnomAD). Alterations that disrupt the canonical splice site are expected to cause aberrant splicing, resulting in an abnormal protein or a transcript that is subject to nonsense-mediated mRNA decay; however, +2T>C alterations are capable of generating wild-type transcripts in some genomic contexts and should be interpreted with caution (Lin JH et al. Hum Mutat. 2019 10;40:1856-1873). Since supporting evidence is limited at this time, the clinical significance of this alteration remains unclear.

NM_004006.3(DMD):c.5025+2T>C

Gene: DMD (dystrophin; minus strand). Cytogenetic location: Xp21.1.
Variant type: single nucleotide variant.
Coding change: c.5025+2T>C on transcript NM_004006.3 (MANE Select); the canonical splice donor site of the intron after coding-DNA position 5025, T replaced by C.
Molecular consequence: splice donor variant.
Genome position (GRCh38, 1-based): chrX:32,365,018, A>G on the plus strand (T>C on the coding strand, the complement: DMD is on the minus strand). VCF-style: chrX-32365018-A-G. GRCh37 (hg19) VCF-style: chrX-32383135-A-G.
Other names: c.5001+2T>C (NM_000109.4); c.1002+2T>C (NM_004011.4); c.993+2T>C (NM_004012.4); c.5013+2T>C (NM_004009.3); c.4656+2T>C (NM_004010.3).
Identifiers: ClinVar variation 1744854 (VCV001744854.2), dbSNP rs2522565706, ClinGen allele CA412671737.
Genomic context (GRCh38, chrX:32,365,018, plus strand): 5'-CACTTATGTATCTTTTTCTCGTGACAGAGAAGGGTGTAAAAGCTTCTAGCCTTTTCTCTT[A>G]CCAACAAAAGATTTAACCACTCTTCTGCTCGGGAGGTGACAGCTATCCAGTTACTATTCA-3'